The following is an entry in ClinVar:

ClinVar aggregate classification (germline): Uncertain significance (1 of 4 stars; one submission).

Submission:

GeneDx
Classification: Uncertain significance. Last evaluated: 2026-07-24. Review status: criteria provided, single submitter. Criteria: GeneDx Variant Classification Process June 2021. Collection method: clinical testing. Allele origin: germline.
Comment: Not observed at significant frequency in large population cohorts (gnomAD); In silico analysis supports a deleterious effect on protein structure/function; Has not been previously published as pathogenic or benign to our knowledge

NM_007126.5(VCP):c.909TGA[1] (p.Asp304del)

Gene: VCP (valosin containing protein; minus strand). Cytogenetic location: 9p13.3.
Variant type: Microsatellite.
Coding change: c.909TGA[1] on transcript NM_007126.5 (MANE Select); one copy of the 3-base unit TGA starting at c.909; the reference has two copies in a row; one copy, 3 bases deleted; also written c.912_914del.
Protein change: p.Asp304del; deletes aspartic acid 304.
Molecular consequence: inframe indel (on NM_007126.3).
Genome position (GRCh38, 1-based): chr9:35,062,248-35,062,250, TCA deleted on the plus strand (TGA on the coding strand, the reverse complement: VCP is on the minus strand); deleting any 3 consecutive bases within chr9:35,062,248-35,062,253 gives the same sequence; the position shown is the placement nearest the transcript's 3' end. VCF-style (leftmost placement, unchanged base first): chr9-35062247-CTCA-C. GRCh37 (hg19) VCF-style: chr9-35062244-CTCA-C.
Other names: c.774TGA[1], p.Asp259del (NM_001354927.2, NM_001354928.2); c.909_911TGA[1], p.Asp304del (NM_007126.3); c.912_914del (NM_007126.3); short protein forms D259del, D304del.
Identifiers: ClinVar variation 3774902 (VCV003774902.2).